The following is an entry in ClinVar:

NM_000218.3(KCNQ1):c.1514+26118G>C

Genes: KCNQ1 (potassium voltage-gated channel subfamily Q member 1; plus strand), KCNQ1OT1 (KCNQ1 opposite strand/antisense transcript 1; minus strand). Cytogenetic location: 11p15.5.
Variant type: single nucleotide variant.
Coding change: c.1514+26118G>C on transcript NM_000218.3 (MANE Select); 26118 bases into the intron after coding-DNA position 1514, G replaced by C.
Molecular consequence: intron variant. On other transcripts: non-coding transcript variant (1).
Genome position (GRCh38, 1-based): chr11:2,688,199, G>C. VCF-style: chr11-2688199-G-C. GRCh37 (hg19) VCF-style: chr11-2709429-G-C.
Other names: c.1244+26118G>C (NM_001406837.1); c.1418+26118G>C (NM_001406836.1); c.974+26118G>C (NM_001406838.1); c.1133+26118G>C (NM_181798.2).
Identifiers: ClinVar variation 5039755 (VCV005039755.1).

ClinVar aggregate classification (germline): Likely benign (1 of 4 stars; one submission).

gnomAD v4.1: 24 of 398,692 alleles (0.006%); highest among the groups gnomAD compares: Admixed American, 0.1%; no homozygotes.

Submission:

CeGaT Center for Human Genetics Tuebingen
Classification: Likely benign. Last evaluated: 2026-07-01. Review status: criteria provided, single submitter. Criteria: CeGaT Center For Human Genetics Tuebingen Variant Classification Criteria Version 2. Collection method: clinical testing. Allele origin: germline. Affected: yes. Observed: 2 variant alleles.
Comment: KCNQ1OT1: BS1